The following is an entry in ClinVar:

NM_001317778.2(SFTPC):c.435+5G>A

Gene: SFTPC (surfactant protein C; plus strand). Cytogenetic location: 8p21.3.
Variant type: single nucleotide variant.
Coding change: c.435+5G>A on transcript NM_001317778.2 (MANE Select); 5 bases into the intron after coding-DNA position 435, G replaced by A.
Molecular consequence: intron variant.
Genome position (GRCh38, 1-based): chr8:22,163,551, G>A. VCF-style: chr8-22163551-G-A. GRCh37 (hg19) VCF-style: chr8-22021064-G-A.
Other names: c.435+5G>A (NM_001385655.1, NM_001385654.1, NM_001385656.1 and 8 more transcripts); c.276+5G>A (NM_001385660.1, NM_001317779.2).
Identifiers: ClinVar variation 4729325 (VCV004729325.1).

ClinVar aggregate classification (germline): Uncertain significance (1 of 4 stars; one submission).

Submission:

Labcorp Genetics (formerly Invitae), Labcorp
Classification: Uncertain significance. Last evaluated: 2025-10-15. Review status: criteria provided, single submitter. Criteria: Invitae Variant Classification Sherloc (09022015). Collection method: clinical testing. Allele origin: germline.
Comment: This sequence change falls in intron 4 of the SFTPC gene. It does not directly change the encoded amino acid sequence of the SFTPC protein. It affects a nucleotide within the consensus splice site. This variant is not present in population databases (gnomAD no frequency). This variant has not been reported in the literature in individuals affected with SFTPC-related conditions. Variants that disrupt the consensus splice site are a relatively common cause of aberrant splicing (PMID: 17576681, 9536098). Algorithms developed to predict the effect of sequence changes on RNA splicing suggest that this variant may disrupt the consensus splice site. In summary, the available evidence is currently insufficient to determine the role of this variant in disease. Therefore, it has been classified as a Variant of Uncertain Significance.

Literature cited by the submitters: PubMed 17576681; PubMed 9536098.